The following is an entry in ClinVar:

ClinVar aggregate classification (germline): Pathogenic (1 of 4 stars; one submission).

Submission:

Quest Diagnostics Nichols Institute San Juan Capistrano
Classification: Pathogenic. Last evaluated: 2025-05-22. Review status: criteria provided, single submitter. Criteria: ACMG/ClinGen CNV Guidelines, 2019. Collection method: clinical testing. Allele origin: unknown.
Comment: This deletion involves multiple exons (NM_001135659.3) of the 5' portion of NRXN1 (OMIM 600565). Haploinsufficiency of NRXN1 has been associated with a wide spectrum of developmental and neuropsychiatric disorders (CCID:007578; Brignell 2018, Castronovo 2020, Cosemans 2020, Fuccillo 2021, Gerik-Celebi 2024, Montalbano 2024, Sahoo 2011). Some deletions were inherited from asymptomatic parents, suggesting reduced penetrance and variable expressivity (Al Shehhi 2019). Thus, based on current medical literature, this copy number variant is classified as pathogenic with incomplete penetrance and variable expressivity. References: Al Shehhi et al. Eur J Med Genet 2019;62(3):204-209. PMID: 30031152 Brignell et al., Am J Med Genet B Neuropsychiatr Genet. 2018 Dec;177(8):700-708. PMID: 30358070 Castronovo et al. Clin Genet. 2020 97:125–137. PMID: 30873608 Cosemans et al. J Med Genet 2020;57(5):347-355. PMID: 31932357 Fuccillo et al., Curr Opin Genet Dev. 2021 Jun;68:64-70. PMID: 33756113 Gerik-Celebi et al., Dev Neurobiol. 2024 Jul;84(3):158-168. PMID: 38739110 Lowther et al. Genet Med. 2017;19(1):53-61. PMID: 27195815 Montalbano et al., NPJ Genom Med. 2024 Dec 19;9(1):67. PMID: 39695155 Sahoo et al., Genet Med. 2011 Oct;13(10):868-80. PMID: 21792059

GRCh37/hg19 2p16.3(chr2:51188585-51527812)x1

Gene: NRXN1 (neurexin 1; minus strand). Cytogenetic location: 2p16.3.
Variant type: copy number loss.
Change: copy number 1 (one copy instead of two) of chr2:51,188,585-51,527,812 (339.2 kb, GRCh37 coordinates, 1-based), cytogenetic band 2p16.3.
Identifiers: ClinVar variation 4682549 (VCV004682549.1).